The following is an entry in ClinVar:

NM_002547.3(OPHN1):c.2079G>A (p.Met693Ile)

Gene: OPHN1 (oligophrenin 1; minus strand). Cytogenetic location: Xq12.
Variant type: single nucleotide variant.
Coding change: c.2079G>A on transcript NM_002547.3 (MANE Select); coding-DNA position 2079, G replaced by A.
Protein change: p.Met693Ile; replaces methionine 693 with isoleucine.
Molecular consequence: missense variant.
Genome position (GRCh38, 1-based): chrX:68,063,933, C>T on the plus strand (G>A on the coding strand, the complement: OPHN1 is on the minus strand). VCF-style: chrX-68063933-C-T. GRCh37 (hg19) VCF-style: chrX-67283775-C-T.
Other names: short protein forms M693I.
Identifiers: ClinVar variation 159475 (VCV000159475.64), dbSNP rs36095561, ClinGen allele CA172911.
Genomic context (GRCh38, chrX:68,063,933, plus strand): 5'-GGGCCGGGGAGCTGGTCTCTTTATGTGGAAAGAGGGGGTCTTGGTGGGCCCAGAGCCTGG[C>T]ATGGGTCCATTGGTGGCCTTTGGGGTGATCTTGGTCCCTCCATCCTGCAGCCTAGACACC-3'
Protein context (NP_002538.1, residues 683-703): KITPKATNGP[Met693Ile]PGSGPTKTPS

ClinVar aggregate classification (germline): Benign/Likely benign. Review status: criteria provided, multiple submitters, no conflicts (2 of 4 stars). 8 submissions from 8 submitters: Benign (4); Likely benign (3). 1 of the submissions does not count toward it. Last evaluated 2026-01-26.

Conditions:
Inborn genetic diseases. Identifiers: MedGen C0950123, MeSH D030342.
OPHN1-related disorder.
Intellectual developmental disorder, X-linked, syndromic, Billuart type. Also called: MENTAL RETARDATION, X-LINKED 60; X-linked intellectual disability-cerebellar hypoplasia syndrome. Identifiers: Orphanet 137831, MedGen C1845366, MONDO:0010337, OMIM 300486.

Allele frequency attached by ClinVar (database versions not stated): gnomAD exomes 0.00038 and 0.00112; ExAC 0.00190; gnomAD 0.00367 and 0.00385; TOPMed 0.00433; ESP Exome Variant Server 0.00473; 1000 Genomes Project 0.00609; 1000 Genomes Project 30x 0.00624.
gnomAD v4.1: 846 of 1,199,775 alleles (0.071%); highest among the groups gnomAD compares: African/African-American, 1.3%; 4 homozygotes.

Submissions (8):

Labcorp Genetics (formerly Invitae), Labcorp
Classification: Benign. Last evaluated: 2026-01-26. Review status: criteria provided, single submitter. Criteria: Invitae Variant Classification Sherloc (09022015). Collection method: clinical testing. Allele origin: germline.

Blueprint Genetics
Classification: Likely benign. Last evaluated: 2024-10-04. Review status: criteria provided, single submitter. Criteria: ACMG Guidelines, 2015. Collection method: clinical testing. Allele origin: germline.

Fulgent Genetics
Classification: Likely benign for Intellectual developmental disorder, X-linked, syndromic, Billuart type. Last evaluated: 2021-09-17. Review status: criteria provided, single submitter. Criteria: ACMG Guidelines, 2015. Collection method: clinical testing. Allele origin: unknown.

GeneDx
Classification: Benign. Last evaluated: 2019-03-08. Review status: criteria provided, single submitter. Criteria: GeneDx Variant Classification Process June 2021. Collection method: clinical testing. Allele origin: germline. Affected: yes.

Center for Pediatric Genomic Medicine, Children's Mercy Hospital and Clinics
Classification: Likely benign. Last evaluated: 2017-05-03. Review status: criteria provided, single submitter. Criteria: ACMG Guidelines, 2015. Collection method: clinical testing. Allele origin: germline.

Ambry Genetics
Classification: Benign for Inborn genetic diseases. Last evaluated: 2016-06-01. Review status: criteria provided, single submitter. Criteria: Ambry Variant Classification Scheme 2023. Collection method: clinical testing. Allele origin: germline.

Genetic Services Laboratory, University of Chicago
Classification: Benign. Last evaluated: 2013-02-08. Review status: criteria provided, single submitter. Criteria: ACMG Guidelines, 2007. Collection method: clinical testing. Allele origin: germline. Inheritance: X-linked inheritance.

PreventionGenetics, part of Exact Sciences
Classification: Benign for OPHN1-related condition. Last evaluated: 2019-05-13. Review status: no assertion criteria provided. Collection method: clinical testing. Allele origin: germline. Not counted in ClinVar's aggregate classification.
Comment: This variant is classified as benign based on ACMG/AMP sequence variant interpretation guidelines (Richards et al. 2015 PMID: 25741868, with internal and published modifications).